The following is an entry in ClinVar:

NM_005045.4(RELN):c.9747C>T (p.Cys3249=)

Genes: RELN (reelin; minus strand), SLC26A5-AS1 (SLC26A5 antisense RNA 1; plus strand), LOC126860130 (BRD4-independent group 4 enhancer GRCh37_chr7:103130126-103131325; plus strand). Cytogenetic location: 7q22.1.
Variant type: single nucleotide variant.
Coding change: c.9747C>T on transcript NM_005045.4 (MANE Select); coding-DNA position 9747, C replaced by T.
Protein change: p.Cys3249=; no amino-acid change (cysteine 3249 retained).
Molecular consequence: synonymous variant.
Genome position (GRCh38, 1-based): chr7:103,489,758, G>A on the plus strand (C>T on the coding strand, the complement: RELN is on the minus strand). VCF-style: chr7-103489758-G-A. GRCh37 (hg19) VCF-style: chr7-103130205-G-A.
Other names: c.9747C>T, p.Cys3249= (NM_173054.3).
Identifiers: ClinVar variation 514562 (VCV000514562.34), dbSNP rs749356183, ClinGen allele CA4420140.

ClinVar aggregate classification (germline): Likely benign. Review status: criteria provided, multiple submitters, no conflicts (2 of 4 stars). 4 submissions from 4 submitters: Likely benign (4). Last evaluated 2026-01-09.

Conditions:
Norman-Roberts syndrome (LIS2). Also called: Lissencephaly 2 (Norman-Roberts type). Identifiers: Orphanet 89844, MedGen C0796089, MONDO:0009760, OMIM 257320.
Familial temporal lobe epilepsy 7. Identifiers: Orphanet 101046, MedGen C4225327, MONDO:0014639, OMIM 616436.

Allele frequency attached by ClinVar (database versions not stated): ExAC 0.00003; gnomAD exomes 0.00003 and 0.00011; TOPMed 0.00004; gnomAD 0.00006.
gnomAD v4.1: 171 of 1,613,922 alleles (0.011%); highest among the groups gnomAD compares: African/African-American, 0.02%; no homozygotes.

Submissions (4):

Labcorp Genetics (formerly Invitae), Labcorp
Classification: Likely benign for Familial temporal lobe epilepsy 7; Norman-Roberts syndrome. Last evaluated: 2026-01-09. Review status: criteria provided, single submitter. Criteria: Invitae Variant Classification Sherloc (09022015). Collection method: clinical testing. Allele origin: germline.

CeGaT Center for Human Genetics Tuebingen
Classification: Likely benign. Last evaluated: 2024-02-01. Review status: criteria provided, single submitter. Criteria: CeGaT Center For Human Genetics Tuebingen Variant Classification Criteria Version 2. Collection method: clinical testing. Allele origin: germline. Affected: yes. Observed: 1 variant allele.
Comment: RELN: BP4, BP7

Blueprint Genetics
Classification: Likely benign. Last evaluated: 2023-06-26. Review status: criteria provided, single submitter. Criteria: ACMG Guidelines, 2015. Collection method: clinical testing. Allele origin: germline.

GeneDx
Classification: Likely benign. Last evaluated: 2020-09-06. Review status: criteria provided, single submitter. Criteria: GeneDx Variant Classification Process June 2021. Collection method: clinical testing. Allele origin: germline. Affected: yes.